The following is an entry in ClinVar:

NM_015450.3(POT1):c.1858A>C (p.Ile620Leu)

Gene: POT1 (protection of telomeres 1; minus strand). Cytogenetic location: 7q31.33.
Variant type: single nucleotide variant.
Coding change: c.1858A>C on transcript NM_015450.3 (MANE Select); coding-DNA position 1858, A replaced by C.
Protein change: p.Ile620Leu; replaces isoleucine 620 with leucine.
Molecular consequence: missense variant. On other transcripts: non-coding transcript variant (3).
Genome position (GRCh38, 1-based): chr7:124,824,009, T>G on the plus strand (A>C on the coding strand, the complement: POT1 is on the minus strand). VCF-style: chr7-124824009-T-G. GRCh37 (hg19) VCF-style: chr7-124464063-T-G.
Other names: c.1465A>C, p.Ile489Leu (NM_001042594.2); short protein forms I620L, I489L.
Identifiers: ClinVar variation 3781988 (VCV003781988.1).

ClinVar aggregate classification (germline): Uncertain significance (1 of 4 stars; one submission).

Conditions:
Hereditary cancer-predisposing syndrome. Also called: Neoplastic Syndromes, Hereditary; Hereditary Cancer Syndrome; Tumor predisposition; Hereditary neoplastic syndrome. Identifiers: Orphanet 140162, MedGen C0027672, MeSH D009386, MONDO:0015356.

Submission:

Ambry Genetics
Classification: Uncertain significance for Hereditary cancer-predisposing syndrome. Last evaluated: 2024-12-25. Review status: criteria provided, single submitter. Criteria: Ambry Variant Classification Scheme 2023. Collection method: clinical testing. Allele origin: germline.
Comment: The p.I620L variant (also known as c.1858A>C), located in coding exon 15 of the POT1 gene, results from an A to C substitution at nucleotide position 1858. The isoleucine at codon 620 is replaced by leucine, an amino acid with highly similar properties. This amino acid position is conserved. In addition, this alteration is predicted to be tolerated by in silico analysis. Based on the available evidence, the clinical significance of this variant remains unclear.